The following is an entry in ClinVar:

NM_001291867.2(NHS):c.687C>T (p.His229=)

Gene: NHS (NHS actin remodeling regulator; plus strand). Cytogenetic location: Xp22.13.
Variant type: single nucleotide variant.
Coding change: c.687C>T on transcript NM_001291867.2 (MANE Select); coding-DNA position 687, C replaced by T.
Protein change: p.His229=; no amino-acid change (histidine 229 retained).
Molecular consequence: synonymous variant.
Genome position (GRCh38, 1-based): chrX:17,687,863, C>T. VCF-style: chrX-17687863-C-T. GRCh37 (hg19) VCF-style: chrX-17705983-C-T.
Other names: c.156C>T, p.His52= (NM_001136024.4, NM_001291868.2); c.687C>T, p.His229= (NM_198270.4); c.687C>T (NM_198270.3).
Identifiers: ClinVar variation 2705380 (VCV002705380.5), dbSNP rs754663070, ClinGen allele CA10358509.

ClinVar aggregate classification (germline): Benign. Review status: criteria provided, single submitter (1 of 4 stars). 2 submissions from 2 submitters: Benign (1). 1 of the submissions does not count toward it. Last evaluated 2025-06-27.

Conditions:
NHS-related disorder. Also called: NHS-related condition.
Nance-Horan syndrome (NHS). Identifiers: Orphanet 627, MedGen C0796085, MONDO:0010545, OMIM 302350.

Allele frequency attached by ClinVar (database versions not stated): gnomAD exomes 0.00001; ExAC 0.00002; TOPMed 0.00003; gnomAD 0.00004.
gnomAD v4.1: 28 of 1,210,469 alleles (0.0023%); highest among the groups gnomAD compares: East Asian, 0.0089%; no homozygotes.

Submissions (2):

Labcorp Genetics (formerly Invitae), Labcorp
Classification: Benign for Nance-Horan syndrome. Last evaluated: 2025-06-27. Review status: criteria provided, single submitter. Criteria: Invitae Variant Classification Sherloc (09022015). Collection method: clinical testing. Allele origin: germline.

PreventionGenetics, part of Exact Sciences
Classification: Likely benign for NHS-related condition. Last evaluated: 2019-03-13. Review status: no assertion criteria provided. Collection method: clinical testing. Allele origin: germline. Not counted in ClinVar's aggregate classification.
Comment: This variant is classified as likely benign based on ACMG/AMP sequence variant interpretation guidelines (Richards et al. 2015 PMID: 25741868, with internal and published modifications).